The following is an entry in ClinVar:

NM_002334.4(LRP4):c.4148A>G (p.Glu1383Gly)

Gene: LRP4 (LDL receptor related protein 4; minus strand). Cytogenetic location: 11p11.2.
Variant type: single nucleotide variant.
Coding change: c.4148A>G on transcript NM_002334.4 (MANE Select); coding-DNA position 4148, A replaced by G.
Protein change: p.Glu1383Gly; replaces glutamic acid 1383 with glycine.
Molecular consequence: missense variant.
Genome position (GRCh38, 1-based): chr11:46,874,881, T>C on the plus strand (A>G on the coding strand, the complement: LRP4 is on the minus strand). VCF-style: chr11-46874881-T-C. GRCh37 (hg19) VCF-style: chr11-46896432-T-C.
Other names: c.4148A>G (NM_002334.3); short protein forms E1383G.
Identifiers: ClinVar variation 1366474 (VCV001366474.11), dbSNP rs202151304, ClinGen allele CA5969402.

ClinVar aggregate classification (germline): Uncertain significance. Review status: criteria provided, multiple submitters, no conflicts (2 of 4 stars). 3 submissions from 3 submitters: Uncertain significance (3). Last evaluated 2025-03-07.

Conditions:
Sclerosteosis 2 (SOST2). Identifiers: Orphanet 3152, MedGen C3280402, MONDO:0013679, OMIM 614305.
Congenital myasthenic syndrome 17. Identifiers: Orphanet 590, MedGen C4225377, MONDO:0014578, OMIM 616304.
Cenani-Lenz syndactyly syndrome. Also called: CENANI SYNDACTYLISM; SYNDACTYLY, TYPE VII. Identifiers: Orphanet 3258, MedGen C1859309, MONDO:0008931, OMIM 212780.
Inborn genetic diseases. Identifiers: MedGen C0950123, MeSH D030342.

gnomAD v4.1: 264 of 1,614,080 alleles (0.016%); highest among the groups gnomAD compares: Non-Finnish European, 0.021%; no homozygotes.

Submissions (3):

Ambry Genetics
Classification: Uncertain significance for Inborn genetic diseases. Last evaluated: 2025-03-07. Review status: criteria provided, single submitter. Criteria: Ambry Variant Classification Scheme 2023. Collection method: clinical testing. Allele origin: germline.

Revvity Omics, Revvity
Classification: Uncertain significance. Last evaluated: 2024-12-20. Review status: criteria provided, single submitter. Criteria: ACMG Guidelines, 2015. Collection method: clinical testing. Allele origin: germline.

Labcorp Genetics (formerly Invitae), Labcorp
Classification: Uncertain significance for Cenani-Lenz syndactyly syndrome; Sclerosteosis 2; Congenital myasthenic syndrome 17. Last evaluated: 2021-03-10. Review status: criteria provided, single submitter. Criteria: Invitae Variant Classification Sherloc (09022015). Collection method: clinical testing. Allele origin: germline.
Comment: This sequence change replaces glutamic acid with glycine at codon 1383 of the LRP4 protein (p.Glu1383Gly). The glutamic acid residue is highly conserved and there is a moderate physicochemical difference between glutamic acid and glycine. This variant is present in population databases (rs202151304, ExAC 0.006%). This variant has not been reported in the literature in individuals with LRP4-related conditions. Algorithms developed to predict the effect of missense changes on protein structure and function output the following: SIFT: "Tolerated"; PolyPhen-2: "Benign"; Align-GVGD: "Class C0". The glycine amino acid residue is found in multiple mammalian species, suggesting that this missense change does not adversely affect protein function. These predictions have not been confirmed by published functional studies and their clinical significance is uncertain. In summary, the available evidence is currently insufficient to determine the role of this variant in disease. Therefore, it has been classified as a Variant of Uncertain Significance.